The following is an entry in ClinVar:

NM_001002294.3(FMO3):c.627+1G>C

Genes: FMO3 (flavin containing dimethylaniline monoxygenase 3; plus strand), LOC126805916 (BRD4-independent group 4 enhancer GRCh37_chr1:171076844-171078043; plus strand). Cytogenetic location: 1q24.3.
Variant type: single nucleotide variant.
Coding change: c.627+1G>C on transcript NM_001002294.3 (MANE Select); the canonical splice donor site of the intron after coding-DNA position 627, G replaced by C.
Molecular consequence: splice donor variant.
Genome position (GRCh38, 1-based): chr1:171,108,222, G>C. VCF-style: chr1-171108222-G-C. GRCh37 (hg19) VCF-style: chr1-171077363-G-C.
Other names: c.438+1G>C (NM_001319174.2); c.567+1G>C (NM_001319173.2); c.627+1G>C (NM_006894.6).
Identifiers: ClinVar variation 5004361 (VCV005004361.1).

ClinVar aggregate classification (germline): Likely pathogenic (1 of 4 stars; one submission).

Conditions:
Trimethylaminuria (TMAU). Also called: FISH-ODOR SYNDROME; Primary Trimethylaminuria; Fish malodor syndrome; Stale fish syndrome; TMAuria. Identifiers: MedGen C0342739, MONDO:0011182, OMIM 602079, HP:0003614. Disease mechanism: loss of function.

Submission:

Myriad Genetics, Inc.
Classification: Likely pathogenic for Trimethylaminuria. Last evaluated: 2026-01-05. Review status: criteria provided, single submitter. Criteria: Myriad Autosomal Dominant, Autosomal Recessive and X-Linked Classification Criteria (2023). Collection method: clinical testing. Allele origin: unknown.
Comment: NM_001002294.2(FMO3):c.627+1G>C is a variant in a canonical splice site classified as likely pathogenic in the context of primary trimethylaminuria. c.627+1G>C has not been observed in cases with relevant disease. Relevant functional assessments of this variant are not available in the literature. c.627+1G>C has not been observed in referenced population frequency databases. In summary, NM_001002294.2(FMO3):c.627+1G>C is a variant in a canonical splice site in a gene where loss of function is a known mechanism of disease and is predicted to disrupt protein function. Please note: this variant was assessed in the context of healthy population screening.